The following is an entry in ClinVar:

NM_000548.5(TSC2):c.5069-5C>G

Gene: TSC2 (TSC complex subunit 2; plus strand). Cytogenetic location: 16p13.3.
Variant type: single nucleotide variant.
Coding change: c.5069-5C>G on transcript NM_000548.5 (MANE Select); 5 bases into the intron before coding-DNA position 5069, C replaced by G.
Molecular consequence: intron variant.
Genome position (GRCh38, 1-based): chr16:2,088,043, C>G. VCF-style: chr16-2088043-C-G. GRCh37 (hg19) VCF-style: chr16-2138044-C-G.
Other names: c.3527-5C>G (NM_001406693.1, NM_001406692.1, NM_001406694.1); c.4961-5C>G (NM_001406667.1); c.4958-5C>G (NM_001406668.1); c.4469-5C>G (NM_001406680.1); c.4400-5C>G (NM_001406683.1, NM_001406682.1); c.4268-5C>G (NM_001406687.1, NM_001406688.1); c.3656-5C>G (NM_001406689.1); c.3596-5C>G (NM_001406690.1); and 26 more.
Identifiers: ClinVar variation 3329504 (VCV003329504.1).
Genomic context (GRCh38, chr16:2,088,043, plus strand): 5'-CGGGTGGGGCCCTGCAGTGTGGCGCCAAGAGCCCTGGGCCTGGCGTGACCACCAAGTCTC[C>G]CCAGACATGGAGGGCCTTGTGGACACCAGCGTGGCCAAGATCGTGTCTGACCGCAACCTG-3'

ClinVar aggregate classification (germline): Uncertain significance (1 of 4 stars; one submission).

Conditions:
Hereditary cancer-predisposing syndrome. Also called: Neoplastic Syndromes, Hereditary; Tumor predisposition; Hereditary neoplastic syndrome; Hereditary Cancer Syndrome. Identifiers: Orphanet 140162, MedGen C0027672, MeSH D009386, MONDO:0015356.

Submission:

Ambry Genetics
Classification: Uncertain significance for Hereditary cancer-predisposing syndrome. Last evaluated: 2024-05-14. Review status: criteria provided, single submitter. Criteria: Ambry Variant Classification Scheme 2023. Collection method: clinical testing. Allele origin: germline.
Comment: The c.5069-5C>G intronic variant results from a C to G substitution 5 nucleotides upstream from coding exon 39 in the TSC2 gene. This nucleotide position is well conserved in available vertebrate species. In silico splice site analysis for this alteration is inconclusive. Based on the available evidence, the clinical significance of this variant remains unclear.